The following is an entry in ClinVar:

NM_172240.3(POC1B):c.49C>T (p.His17Tyr)

Genes: POC1B (POC1 centriolar protein B; minus strand), POC1B-DUSP6 (POC1B-DUSP6 readthrough; minus strand), POC1B-GALNT4 (POC1B-GALNT4 readthrough; minus strand), LOC130008356 (ATAC-STARR-seq lymphoblastoid silent region 4693; plus strand). Cytogenetic location: 12q21.33.
Variant type: single nucleotide variant.
Coding change: c.49C>T on transcript NM_172240.3 (MANE Select); coding-DNA position 49, C replaced by T.
Protein change: p.His17Tyr; replaces histidine 17 with tyrosine.
Molecular consequence: missense variant. On other transcripts: synonymous variant (1), 5 prime UTR variant (1), non-coding transcript variant (2).
Genome position (GRCh38, 1-based): chr12:89,525,171, G>A on the plus strand (C>T on the coding strand, the complement: POC1B is on the minus strand). VCF-style: chr12-89525171-G-A. GRCh37 (hg19) VCF-style: chr12-89918948-G-A.
Other names: c.49C>T, p.His17Tyr (NM_001199781.2); c.309C>T, p.Ala103= (NM_001199782.1); c.-78C>T (NM_001199777.2); short protein forms H17Y.
Identifiers: ClinVar variation 2113104 (VCV002113104.4), dbSNP rs1871338357, ClinGen allele CA386008187.

ClinVar aggregate classification (germline): Uncertain significance (1 of 4 stars; one submission).

Allele frequency attached by ClinVar (database versions not stated): gnomAD exomes below 0.00001; TOPMed below 0.00001.
gnomAD v4.1: 3 of 1,613,776 alleles (0.00019%); highest among the groups gnomAD compares: Non-Finnish European, 0.00025%; no homozygotes.

Submission:

Labcorp Genetics (formerly Invitae), Labcorp
Classification: Uncertain significance. Last evaluated: 2022-06-18. Review status: criteria provided, single submitter. Criteria: Invitae Variant Classification Sherloc (09022015). Collection method: clinical testing. Allele origin: germline.
Comment: This sequence change replaces histidine, which is basic and polar, with tyrosine, which is neutral and polar, at codon 17 of the POC1B protein (p.His17Tyr). In summary, the available evidence is currently insufficient to determine the role of this variant in disease. Therefore, it has been classified as a Variant of Uncertain Significance. Algorithms developed to predict the effect of missense changes on protein structure and function are either unavailable or do not agree on the potential impact of this missense change (SIFT: "Tolerated"; PolyPhen-2: "Probably Damaging"; Align-GVGD: "Class C0"). This variant has not been reported in the literature in individuals affected with POC1B-related conditions. This variant is not present in population databases (gnomAD no frequency).